The following is an entry in ClinVar:

NM_001384732.1(CPLANE1):c.5783C>G (p.Ala1928Gly)

Gene: CPLANE1 (ciliogenesis and planar polarity effector complex subunit 1; minus strand). Cytogenetic location: 5p13.2.
Variant type: single nucleotide variant.
Coding change: c.5783C>G on transcript NM_001384732.1 (MANE Select); coding-DNA position 5783, C replaced by G.
Protein change: p.Ala1928Gly; replaces alanine 1928 with glycine.
Molecular consequence: missense variant.
Genome position (GRCh38, 1-based): chr5:37,179,398, G>C on the plus strand (C>G on the coding strand, the complement: CPLANE1 is on the minus strand). VCF-style: chr5-37179398-G-C. GRCh37 (hg19) VCF-style: chr5-37179500-G-C.
Other names: c.5783C>G, p.Ala1928Gly (NM_023073.4); short protein forms A1928G.
Identifiers: ClinVar variation 905280 (VCV000905280.7), dbSNP rs190242054, ClinGen allele CA3238444.

ClinVar aggregate classification (germline): Uncertain significance. Review status: criteria provided, multiple submitters, no conflicts (2 of 4 stars). 2 submissions from 2 submitters: Uncertain significance (2). Last evaluated 2023-08-17.

Conditions:
Joubert syndrome 17 (JBTS17). Identifiers: Orphanet 475, MedGen C3553264, MONDO:0013824, OMIM 614615.

Allele frequency attached by ClinVar (database versions not stated): gnomAD 0.00001; 1000 Genomes Project 30x 0.00016; 1000 Genomes Project 0.00020.
gnomAD v4.1: 13 of 1,612,970 alleles (0.00081%); highest among the groups gnomAD compares: Middle Eastern, 0.017%; no homozygotes.

Submissions (2):

Labcorp Genetics (formerly Invitae), Labcorp
Classification: Uncertain significance. Last evaluated: 2023-08-17. Review status: criteria provided, single submitter. Criteria: Invitae Variant Classification Sherloc (09022015). Collection method: clinical testing. Allele origin: germline.
Comment: This sequence change replaces alanine, which is neutral and non-polar, with glycine, which is neutral and non-polar, at codon 1928 of the CPLANE1 protein (p.Ala1928Gly). This variant is present in population databases (rs190242054, gnomAD 0.004%). This variant has not been reported in the literature in individuals affected with CPLANE1-related conditions. ClinVar contains an entry for this variant (Variation ID: 905280). Advanced modeling of protein sequence and biophysical properties (such as structural, functional, and spatial information, amino acid conservation, physicochemical variation, residue mobility, and thermodynamic stability) performed at Invitae indicates that this missense variant is not expected to disrupt CPLANE1 protein function. In summary, the available evidence is currently insufficient to determine the role of this variant in disease. Therefore, it has been classified as a Variant of Uncertain Significance.

Illumina Laboratory Services, Illumina
Classification: Uncertain significance for Joubert syndrome 17. Last evaluated: 2018-04-06. Review status: criteria provided, single submitter. Criteria: ICSL Variant Classification Criteria 13 December 2019. Collection method: clinical testing. Allele origin: germline.